The following is an entry in ClinVar:

ClinVar aggregate classification (germline): Likely benign. Review status: criteria provided, multiple submitters, no conflicts (2 of 4 stars). 3 submissions from 3 submitters: Likely benign (2). 1 of the submissions does not count toward it. Last evaluated 2026-01-28.

Conditions:
GATA5-related disorder. Also called: GATA5-related condition.

Allele frequency attached by ClinVar (database versions not stated): ESP Exome Variant Server 0.00008; TOPMed 0.00015; gnomAD 0.00017 and 0.00018.
gnomAD v4.1: 50 of 1,566,828 alleles (0.0032%); highest among the groups gnomAD compares: African/African-American, 0.061%; no homozygotes.

Submissions (3):

Labcorp Genetics (formerly Invitae), Labcorp
Classification: Likely benign. Last evaluated: 2026-01-28. Review status: criteria provided, single submitter. Criteria: Invitae Variant Classification Sherloc (09022015). Collection method: clinical testing. Allele origin: germline.

GeneDx
Classification: Likely benign. Last evaluated: 2019-03-14. Review status: criteria provided, single submitter. Criteria: GeneDx Variant Classification Process June 2021. Collection method: clinical testing. Allele origin: germline. Affected: yes.

PreventionGenetics, part of Exact Sciences
Classification: Likely benign for GATA5-related condition. Last evaluated: 2019-04-18. Review status: no assertion criteria provided. Collection method: clinical testing. Allele origin: germline. Not counted in ClinVar's aggregate classification.
Comment: This variant is classified as likely benign based on ACMG/AMP sequence variant interpretation guidelines (Richards et al. 2015 PMID: 25741868, with internal and published modifications).

NM_080473.5(GATA5):c.747C>G (p.Thr249=)

Gene: GATA5 (GATA binding protein 5; minus strand). Cytogenetic location: 20q13.33.
Variant type: single nucleotide variant.
Coding change: c.747C>G on transcript NM_080473.5 (MANE Select); coding-DNA position 747, C replaced by G.
Protein change: p.Thr249=; no amino-acid change (threonine 249 retained).
Molecular consequence: synonymous variant.
Genome position (GRCh38, 1-based): chr20:62,466,504, G>C on the plus strand (C>G on the coding strand, the complement: GATA5 is on the minus strand). VCF-style: chr20-62466504-G-C. GRCh37 (hg19) VCF-style: chr20-61041560-G-C.
Identifiers: ClinVar variation 1188617 (VCV001188617.12), dbSNP rs150649875, ClinGen allele CA9946204.